The following is an entry in ClinVar:

NM_025144.4(ALPK1):c.1225A>G (p.Met409Val)

Gene: ALPK1 (alpha kinase 1; plus strand). Cytogenetic location: 4q25.
Variant type: single nucleotide variant.
Coding change: c.1225A>G on transcript NM_025144.4 (MANE Select); coding-DNA position 1225, A replaced by G.
Protein change: p.Met409Val; replaces methionine 409 with valine.
Molecular consequence: missense variant.
Genome position (GRCh38, 1-based): chr4:112,430,772, A>G. VCF-style: chr4-112430772-A-G. GRCh37 (hg19) VCF-style: chr4-113351928-A-G.
Other names: c.1225A>G (NM_025144.3); c.1225A>G, p.Met409Val (NM_001102406.2); c.991A>G, p.Met331Val (NM_001253884.2); short protein forms M409V, M331V.
Identifiers: ClinVar variation 2183439 (VCV002183439.5), dbSNP rs780194454, ClinGen allele CA103762814.

ClinVar aggregate classification (germline): Uncertain significance. Review status: criteria provided, multiple submitters, no conflicts (2 of 4 stars). 2 submissions from 2 submitters: Uncertain significance (2). Last evaluated 2024-09-30.

Conditions:
Inborn genetic diseases. Identifiers: MedGen C0950123, MeSH D030342.

Allele frequency attached by ClinVar (database versions not stated): gnomAD exomes 0.00002; gnomAD 0.00003; TOPMed 0.00003.

Submissions (2):

Ambry Genetics
Classification: Uncertain significance for Inborn genetic diseases. Last evaluated: 2024-09-30. Review status: criteria provided, single submitter. Criteria: Ambry Variant Classification Scheme 2023. Collection method: clinical testing. Allele origin: germline.

Labcorp Genetics (formerly Invitae), Labcorp
Classification: Uncertain significance. Last evaluated: 2023-03-18. Review status: criteria provided, single submitter. Criteria: Invitae Variant Classification Sherloc (09022015). Collection method: clinical testing. Allele origin: germline.
Comment: In summary, the available evidence is currently insufficient to determine the role of this variant in disease. Therefore, it has been classified as a Variant of Uncertain Significance. Advanced modeling of protein sequence and biophysical properties (such as structural, functional, and spatial information, amino acid conservation, physicochemical variation, residue mobility, and thermodynamic stability) performed at Invitae indicates that this missense variant is not expected to disrupt ALPK1 protein function. ClinVar contains an entry for this variant (Variation ID: 2183439). This variant has not been reported in the literature in individuals affected with ALPK1-related conditions. This variant is present in population databases (rs780194454, gnomAD 0.006%). This sequence change replaces methionine, which is neutral and non-polar, with valine, which is neutral and non-polar, at codon 409 of the ALPK1 protein (p.Met409Val).